The following is an entry in ClinVar:

ClinVar aggregate classification (germline): Conflicting classifications of pathogenicity. Review status: criteria provided, conflicting classifications (1 of 4 stars). 6 submissions from 6 submitters: Uncertain significance (1); Likely benign (4). 1 of the submissions does not count toward it. Last evaluated 2026-01-21.

Conditions:
Rhizomelic chondrodysplasia punctata type 2 (RCDP2). Also called: glyceronephosphate O-acyltransferase (GNPAT) deficiency; Glyceronephosphate O-acyltransferase deficiency; PEROXISOMAL DIHYDROXYACETONEPHOSPHATE ACYLTRANSFERASE DEFICIENCY; Chondrodysplasia punctata, rhizomelic, due to dihydroxyacetonephosphate acyltransferase deficiency; DHAPAT DEFICIENCY; DIHYDROXYACETONEPHOSPHATE ACYLTRANSFERASE DEFICIENCY. Identifiers: Orphanet 177, Orphanet 309796, MedGen C1857242, MONDO:0100273, OMIM 222765. Disease mechanism: loss of function.
GNPAT-related disorder. Also called: GNPAT-related condition.

Allele frequency attached by ClinVar (database versions not stated): ExAC 0.00021; gnomAD exomes 0.00027 and 0.00063; 1000 Genomes Project 30x 0.00031; gnomAD 0.00036 and 0.00037; TOPMed 0.00039; 1000 Genomes Project 0.00040; ESP Exome Variant Server 0.00046.
gnomAD v4.1: 968 of 1,611,282 alleles (0.06%); highest among the groups gnomAD compares: Non-Finnish European, 0.076%; 1 homozygote.

Submissions (6):

Labcorp Genetics (formerly Invitae), Labcorp
Classification: Likely benign. Last evaluated: 2026-01-21. Review status: criteria provided, single submitter. Criteria: Invitae Variant Classification Sherloc (09022015). Collection method: clinical testing. Allele origin: germline.

Blueprint Genetics
Classification: Likely benign. Last evaluated: 2024-11-13. Review status: criteria provided, single submitter. Criteria: ACMG Guidelines, 2015. Collection method: clinical testing. Allele origin: germline.

ARUP Laboratories, Molecular Genetics and Genomics, ARUP Laboratories
Classification: Likely benign for Rhizomelic chondrodysplasia punctata type 2. Last evaluated: 2023-08-21. Review status: criteria provided, single submitter. Criteria: ARUP Molecular Germline Variant Investigation Process 2024. Collection method: clinical testing. Allele origin: germline.

GeneDx
Classification: Likely benign. Last evaluated: 2021-03-09. Review status: criteria provided, single submitter. Criteria: GeneDx Variant Classification Process June 2021. Collection method: clinical testing. Allele origin: germline. Affected: yes.

Illumina Laboratory Services, Illumina
Classification: Uncertain significance for Rhizomelic chondrodysplasia punctata type 2. Last evaluated: 2018-01-13. Review status: criteria provided, single submitter. Criteria: ICSL Variant Classification Criteria 13 December 2019. Collection method: clinical testing. Allele origin: germline.

PreventionGenetics, part of Exact Sciences
Classification: Likely benign for GNPAT-related condition. Last evaluated: 2024-07-01. Review status: no assertion criteria provided. Collection method: clinical testing. Allele origin: germline. Not counted in ClinVar's aggregate classification.
Comment: This variant is classified as likely benign based on ACMG/AMP sequence variant interpretation guidelines (Richards et al. 2015 PMID: 25741868, with internal and published modifications).

NM_014236.4(GNPAT):c.1095T>C (p.Phe365=)

Gene: GNPAT (glyceronephosphate O-acyltransferase; plus strand). Cytogenetic location: 1q42.2.
Variant type: single nucleotide variant.
Coding change: c.1095T>C on transcript NM_014236.4 (MANE Select); coding-DNA position 1095, T replaced by C.
Protein change: p.Phe365=; no amino-acid change (phenylalanine 365 retained).
Molecular consequence: synonymous variant.
Genome position (GRCh38, 1-based): chr1:231,267,719, T>C. VCF-style: chr1-231267719-T-C. GRCh37 (hg19) VCF-style: chr1-231403465-T-C.
Other names: c.912T>C, p.Phe304= (NM_001316350.2).
Identifiers: ClinVar variation 875980 (VCV000875980.18), dbSNP rs139272614, ClinGen allele CA1451973.
Genomic context (GRCh38, chr1:231,267,719, plus strand): 5'-GCTCTGTGCTCTTCCTTTTAGATACATTCCTCAGAAACAGTCTGAGGACATGCATGCCTT[T>C]GTCACTGAAGTTGCCTACAAAATGGAGCTTCTGCAAATTGAAAACATGGTTTTGAGCCCC-3'
Protein context (NP_055051.1, residues 355-375): PQKQSEDMHA[Phe365=]VTEVAYKMEL